The following is an entry in ClinVar:

ClinVar aggregate classification (germline): Uncertain significance (1 of 4 stars; one submission).

Conditions:
Bethlem myopathy 1A. Also called: MYOPATHY, BENIGN CONGENITAL, WITH CONTRACTURES; Bethlem myopathy 1; Bethlem Muscular Dystrophy. Identifiers: Orphanet 610, MedGen CN029274, MONDO:0024530, OMIM 158810.

gnomAD v4.1: 1 of 1,614,002 alleles (0.000062%); no homozygotes.

Submission:

Labcorp Genetics (formerly Invitae), Labcorp
Classification: Uncertain significance for Bethlem myopathy 1A. Last evaluated: 2024-11-11. Review status: criteria provided, single submitter. Criteria: Invitae Variant Classification Sherloc (09022015). Collection method: clinical testing. Allele origin: germline.
Comment: This sequence change replaces glycine, which is neutral and non-polar, with alanine, which is neutral and non-polar, at codon 380 of the COL6A3 protein (p.Gly380Ala). This variant is not present in population databases (gnomAD no frequency). This variant has not been reported in the literature in individuals affected with COL6A3-related conditions. ClinVar contains an entry for this variant (Variation ID: 2108903). Invitae Evidence Modeling of protein sequence and biophysical properties (such as structural, functional, and spatial information, amino acid conservation, physicochemical variation, residue mobility, and thermodynamic stability) indicates that this missense variant is not expected to disrupt COL6A3 protein function with a negative predictive value of 95%. In summary, the available evidence is currently insufficient to determine the role of this variant in disease. Therefore, it has been classified as a Variant of Uncertain Significance.

NM_004369.4(COL6A3):c.1139G>C (p.Gly380Ala)

Gene: COL6A3 (collagen type VI alpha 3 chain; minus strand). Cytogenetic location: 2q37.3.
Variant type: single nucleotide variant.
Coding change: c.1139G>C on transcript NM_004369.4 (MANE Select); coding-DNA position 1139, G replaced by C.
Protein change: p.Gly380Ala; replaces glycine 380 with alanine.
Molecular consequence: missense variant. On other transcripts: intron variant (2).
Genome position (GRCh38, 1-based): chr2:237,387,755, C>G on the plus strand (G>C on the coding strand, the complement: COL6A3 is on the minus strand). VCF-style: chr2-237387755-C-G. GRCh37 (hg19) VCF-style: chr2-238296398-C-G.
Other names: c.521G>C, p.Gly174Ala (NM_057165.5, NM_057167.4); c.92-6256G>C (NM_057166.5, NM_057164.5); short protein forms G174A, G380A.
Identifiers: ClinVar variation 2108903 (VCV002108903.4), dbSNP rs2469948021, ClinGen allele CA351221619.